The following is an entry in ClinVar:

NM_206933.4(USH2A):c.11936del (p.His3979fs)

Gene: USH2A (usherin; minus strand). Cytogenetic location: 1q41.
Variant type: Deletion.
Coding change: c.11936del on transcript NM_206933.4 (MANE Select); coding-DNA position 11936, one base deleted (A; older notation c.11936delA).
Protein change: p.His3979fs; shifts the reading frame from histidine 3979.
Molecular consequence: frameshift variant.
Genome position (GRCh38, 1-based): chr1:215,728,160, T deleted on the plus strand (A on the coding strand, the reverse complement: USH2A is on the minus strand). VCF-style (leftmost placement, unchanged base first): chr1-215728159-AT-A. GRCh37 (hg19) VCF-style: chr1-215901501-AT-A.
Other names: short protein forms H3979fs.
Identifiers: ClinVar variation 4817079 (VCV004817079.1).

ClinVar aggregate classification (germline): Likely pathogenic (1 of 4 stars; one submission).

Conditions:
Usher syndrome type 2A. Also called: RETINAL DISEASE IN USHER SYNDROME TYPE IIA, MODIFIER OF; USHER SYNDROME, TYPE IIA. Identifiers: Orphanet 231178, Orphanet 886, MedGen C1848634, MONDO:0010169, OMIM 276901.

Submission:

Natera, Inc.
Classification: Likely pathogenic for Usher syndrome type 2A. Last evaluated: 2025-11-17. Review status: criteria provided, single submitter. Criteria: Natera Variant Classification Schema (03/2026). Collection method: clinical testing. Allele origin: germline.
Comment: The c.11936del variant in USH2A is a frameshift variant predicted to shift the reading frame beginning at codon 3979 and leads to a stop codon 5 codons downstream. This variant is expected to result in nonsense mediated decay, truncation, or a dysfunctional protein product. This variant is rare in the general population with a frequency below the threshold expected for the associated phenotype(s). Given the available evidence, this variant is classified as Likely Pathogenic.